The following is an entry in ClinVar:

ClinVar aggregate classification (germline): Uncertain significance (1 of 4 stars; one submission).

Conditions:
Inborn genetic diseases. Identifiers: MedGen C0950123, MeSH D030342.

Submission:

Ambry Genetics
Classification: Uncertain significance for Inborn genetic diseases. Last evaluated: 2025-01-14. Review status: criteria provided, single submitter. Criteria: Ambry Variant Classification Scheme 2023. Collection method: clinical testing. Allele origin: germline.
Comment: The p.I1197V variant (also known as c.3589A>G), located in coding exon 24 of the ANKRD26 gene, results from an A to G substitution at nucleotide position 3589. The isoleucine at codon 1197 is replaced by valine, an amino acid with highly similar properties. This amino acid position is conserved. In addition, this alteration is predicted to be tolerated by in silico analysis. Based on the available evidence, the clinical significance of this variant remains unclear.

NM_014915.3(ANKRD26):c.3589A>G (p.Ile1197Val)

Gene: ANKRD26 (ankyrin repeat domain containing 26; minus strand). Cytogenetic location: 10p12.1.
Variant type: single nucleotide variant.
Coding change: c.3589A>G on transcript NM_014915.3 (MANE Select); coding-DNA position 3589, A replaced by G.
Protein change: p.Ile1197Val; replaces isoleucine 1197 with valine.
Molecular consequence: missense variant.
Genome position (GRCh38, 1-based): chr10:27,034,861, T>C on the plus strand (A>G on the coding strand, the complement: ANKRD26 is on the minus strand). VCF-style: chr10-27034861-T-C. GRCh37 (hg19) VCF-style: chr10-27323790-T-C.
Other names: c.3586A>G, p.Ile1196Val (NM_001256053.2); short protein forms I1196V, I1197V.
Identifiers: ClinVar variation 3868887 (VCV003868887.1).
Genomic context (GRCh38, chr10:27,034,861, plus strand): 5'-TTTCTGCCTTTTCATTTTCATATTGATACTGTCTTTCTTTTAAGTGATTACATTCACTGA[T>C]TAACTCCTTATTTCTTTCTTCTAGCAGAAGACTTTGCTTTTCACTCTCAGCTTGAAGTTT-3'
Protein context (NP_055730.2, residues 1187-1207): LLLEERNKEL[Ile1197Val]SECNHLKERQ